The following is an entry in ClinVar:

ClinVar aggregate classification (germline): Uncertain significance (1 of 4 stars; one submission).

Conditions:
Koolen-de Vries syndrome (KDVS). Identifiers: Orphanet 96169, MedGen C1864871, MONDO:0012496, OMIM 610443.

Allele frequency attached by ClinVar (database versions not stated): TOPMed below 0.00001; gnomAD 0.00001; gnomAD exomes 0.00001.
gnomAD v4.1: 5 of 1,599,734 alleles (0.00031%); highest among the groups gnomAD compares: African/African-American, 0.0013%; no homozygotes.

Submission:

Labcorp Genetics (formerly Invitae), Labcorp
Classification: Uncertain significance for Koolen-de Vries syndrome. Last evaluated: 2023-04-09. Review status: criteria provided, single submitter. Criteria: Invitae Variant Classification Sherloc (09022015). Collection method: clinical testing. Allele origin: germline.
Comment: Advanced modeling of protein sequence and biophysical properties (such as structural, functional, and spatial information, amino acid conservation, physicochemical variation, residue mobility, and thermodynamic stability) has been performed at Invitae for this missense variant, however the output from this modeling did not meet the statistical confidence thresholds required to predict the impact of this variant on KANSL1 protein function. This sequence change replaces arginine, which is basic and polar, with serine, which is neutral and polar, at codon 543 of the KANSL1 protein (p.Arg543Ser). This variant is not present in population databases (gnomAD no frequency). This variant has not been reported in the literature in individuals affected with KANSL1-related conditions. In summary, the available evidence is currently insufficient to determine the role of this variant in disease. Therefore, it has been classified as a Variant of Uncertain Significance.

NM_015443.4(KANSL1):c.1629A>T (p.Arg543Ser)

Gene: KANSL1 (KAT8 regulatory NSL complex subunit 1). Cytogenetic location: 17q21.31.
Variant type: single nucleotide variant.
Coding change: c.1629A>T on transcript NM_015443.4 (MANE Select); coding-DNA position 1629, A replaced by T.
Protein change: p.Arg543Ser; replaces arginine 543 with serine.
Molecular consequence: missense variant.
Genome position (GRCh38, 1-based): chr17:46,067,572, T>A on the plus strand (A>T on the coding strand, the complement: KANSL1 is on the minus strand). VCF-style: chr17-46067572-T-A. GRCh37 (hg19) VCF-style: chr17-44144938-T-A.
Other names: c.1629A>T, p.Arg543Ser (NM_001193465.2, NM_001193466.2, NM_001379198.1 and 14 more transcripts); c.1527A>T, p.Arg509Ser (NM_001405859.1, NM_001405860.1, NM_001405861.1 and 1 more transcripts); c.363A>T, p.Arg121Ser (NM_001405882.1, NM_001405883.1, NM_001405884.1 and 1 more transcripts); short protein forms R121S, R509S, R543S.
Identifiers: ClinVar variation 2876788 (VCV002876788.3), dbSNP rs1375084760, ClinGen allele CA399987433.